The following is an entry in ClinVar:

NM_152564.5(VPS13B):c.7439A>G (p.Gln2480Arg)

Gene: VPS13B (vacuolar protein sorting 13 homolog B; plus strand). Cytogenetic location: 8q22.2.
Variant type: single nucleotide variant.
Coding change: c.7439A>G on transcript NM_152564.5 (MANE Select); coding-DNA position 7439, A replaced by G.
Protein change: p.Gln2480Arg; replaces glutamine 2480 with arginine.
Molecular consequence: missense variant.
Genome position (GRCh38, 1-based): chr8:99,778,691, A>G. VCF-style: chr8-99778691-A-G. GRCh37 (hg19) VCF-style: chr8-100790919-A-G.
Other names: c.7514A>G, p.Gln2505Arg (NM_017890.5); short protein forms Q2480R, Q2505R.
Identifiers: ClinVar variation 4981716 (VCV004981716.1).

ClinVar aggregate classification (germline): Uncertain significance (1 of 4 stars; one submission).

Conditions:
VPS13B-related disorder. Also called: VPS13B-related condition.

gnomAD v4.1: 12 of 1,613,886 alleles (0.00074%); highest among the groups gnomAD compares: South Asian, 0.013%; no homozygotes.

Submission:

PreventionGenetics, part of Exact Sciences
Classification: Uncertain significance for VPS13B-related condition. Last evaluated: 2025-05-08. Review status: criteria provided, single submitter. Criteria: ACMG Guidelines, 2015. Collection method: clinical testing. Allele origin: germline.
Comment: The VPS13B c.7439A>G variant is predicted to result in the amino acid substitution p.Gln2480Arg. To our knowledge, this variant has not been reported in the literature. This variant is reported in 0.013% of alleles in individuals of South Asian descent in gnomAD. At this time, the clinical significance of this variant is uncertain due to the absence of conclusive functional and genetic evidence.